The following is an entry in ClinVar:

ClinVar aggregate classification (germline): Uncertain significance. Review status: criteria provided, multiple submitters, no conflicts (2 of 4 stars). 3 submissions from 3 submitters: Uncertain significance (3). Last evaluated 2026-05-21.

Conditions:
Geroderma osteodysplastica (GO). Also called: WALT DISNEY DWARFISM; Geroderma osteodysplasticum. Identifiers: Orphanet 2078, MedGen C0432255, MONDO:0009271, OMIM 231070.
Inborn genetic diseases. Identifiers: MedGen C0950123, MeSH D030342.

Allele frequency attached by ClinVar (database versions not stated): gnomAD 0.00001; TOPMed 0.00004; gnomAD exomes 0.00002; ExAC 0.00002.

Submissions (3):

Ambry Genetics
Classification: Uncertain significance for Inborn genetic diseases. Last evaluated: 2026-05-21. Review status: criteria provided, single submitter. Criteria: Ambry Variant Classification Scheme 2023. Collection method: clinical testing. Allele origin: germline.
Comment: The c.733G>A (p.A245T) alteration is located in exon 4 (coding exon 4) of the GORAB gene. This alteration results from a G to A substitution at nucleotide position 733, causing the alanine (A) at amino acid position 245 to be replaced by a threonine (T). Based on data from gnomAD, the A allele has an overall frequency of 0.002% (6/250936) total alleles studied. The highest observed frequency was 0.012% (4/34514) of Latino alleles. This amino acid position is highly conserved in available vertebrate species. This alteration is predicted to be deleterious by in silico analysis. Based on insufficient or conflicting evidence, the clinical significance of this alteration remains unclear.

Labcorp Genetics (formerly Invitae), Labcorp
Classification: Uncertain significance. Last evaluated: 2024-08-19. Review status: criteria provided, single submitter. Criteria: Invitae Variant Classification Sherloc (09022015). Collection method: clinical testing. Allele origin: germline.
Comment: This sequence change replaces alanine, which is neutral and non-polar, with threonine, which is neutral and polar, at codon 245 of the GORAB protein (p.Ala245Thr). This variant is present in population databases (rs183596463, gnomAD 0.01%). This variant has not been reported in the literature in individuals affected with GORAB-related conditions. ClinVar contains an entry for this variant (Variation ID: 1416394). An algorithm developed to predict the effect of missense changes on protein structure and function (PolyPhen-2) suggests that this variant is likely to be disruptive. In summary, the available evidence is currently insufficient to determine the role of this variant in disease. Therefore, it has been classified as a Variant of Uncertain Significance.

Genome-Nilou Lab
Classification: Uncertain significance for Geroderma osteodysplastica. Last evaluated: 2023-04-11. Review status: criteria provided, single submitter. Criteria: ACMG Guidelines, 2015. Collection method: clinical testing. Allele origin: germline. Affected: no.

NM_152281.3(GORAB):c.658G>A (p.Ala220Thr)

Gene: GORAB (golgin, RAB6 interacting; plus strand). Cytogenetic location: 1q24.2.
Variant type: single nucleotide variant.
Coding change: c.658G>A on transcript NM_152281.3 (MANE Select); coding-DNA position 658, G replaced by A.
Protein change: p.Ala220Thr; replaces alanine 220 with threonine.
Molecular consequence: missense variant. On other transcripts: non-coding transcript variant (1).
Genome position (GRCh38, 1-based): chr1:170,544,841, G>A. VCF-style: chr1-170544841-G-A. GRCh37 (hg19) VCF-style: chr1-170513982-G-A.
Other names: c.658G>A, p.Ala220Thr (NM_001146039.2); c.193G>A, p.Ala65Thr (NM_001320252.2); c.733G>A (NM_152281.2); short protein forms A65T, A220T.
Identifiers: ClinVar variation 1416394 (VCV001416394.6), dbSNP rs183596463, ClinGen allele CA1239196.